The following is an entry in ClinVar:

ClinVar aggregate classification (germline): Pathogenic. Review status: criteria provided, multiple submitters, no conflicts (2 of 4 stars). 4 submissions from 4 submitters: Pathogenic (4). Last evaluated 2023-07-19.

Conditions:
Hereditary cancer-predisposing syndrome. Also called: Neoplastic Syndromes, Hereditary; Hereditary Cancer Syndrome; Tumor predisposition; Hereditary neoplastic syndrome. Identifiers: Orphanet 140162, MedGen C0027672, MeSH D009386, MONDO:0015356.
Neurofibromatosis, type 1 (NF1). Also called: VON RECKLINGHAUSEN DISEASE; Peripheral type neurofibromatosis; NEUROFIBROMATOSIS, TYPE I, SOMATIC; Neurofibromatosis, type I. Identifiers: Orphanet 636, MedGen C0027831, MONDO:0018975, OMIM 162200. Disease mechanism: loss of function.

Submissions (4):

Labcorp Genetics (formerly Invitae), Labcorp
Classification: Pathogenic for Neurofibromatosis, type 1. Last evaluated: 2023-07-19. Review status: criteria provided, single submitter. Criteria: Invitae Variant Classification Sherloc (09022015). Collection method: clinical testing. Allele origin: germline.
Comment: This sequence change affects a donor splice site in intron 20 of the NF1 gene. It is expected to disrupt RNA splicing. Variants that disrupt the donor or acceptor splice site typically lead to a loss of protein function (PMID: 16199547), and loss-of-function variants in NF1 are known to be pathogenic (PMID: 10712197, 23913538). This variant is not present in population databases (gnomAD no frequency). Disruption of this splice site has been observed in individuals with neuofibromatosis, type 1 (PMID: 17426081; Invitae). ClinVar contains an entry for this variant (Variation ID: 234062). Algorithms developed to predict the effect of sequence changes on RNA splicing suggest that this variant may disrupt the consensus splice site. For these reasons, this variant has been classified as Pathogenic.

Genome-Nilou Lab
Classification: Pathogenic for Neurofibromatosis, type 1. Last evaluated: 2022-03-15. Review status: criteria provided, single submitter. Criteria: ACMG Guidelines, 2015. Collection method: clinical testing. Allele origin: germline. Affected: no.

CeGaT Center for Human Genetics Tuebingen
Classification: Pathogenic. Last evaluated: 2021-09-01. Review status: criteria provided, single submitter. Criteria: CeGaT Center For Human Genetics Tuebingen Variant Classification Criteria Version 2. Collection method: clinical testing. Allele origin: germline. Affected: yes. Observed: 1 variant allele.

Ambry Genetics
Classification: Pathogenic for Hereditary cancer-predisposing syndrome. Last evaluated: 2015-09-23. Review status: criteria provided, single submitter. Criteria: Ambry Autosomal Dominant and X-Linked criteria (10/2015). Collection method: clinical testing. Allele origin: germline. Observed: 1 variant allele.
Comment: The c.2409+2T>G intronic pathogenic mutation results from a T to G substitution two nucleotides after coding exon 20 in the NF1 gene. This mutation has been observed in multiple individuals with a clinical diagnosis of NF1 and was demonstrated to result in exon 15 skipping (Lee MJ et al.Hum. Mutat. 2006 Aug;27(8):832;Tang SC et al.J. Neurol. Sci. 2006 Apr;243(1-2):53-5).In addition to the clinical data presented in the literature, since alterations that disrupt the canonical splice donor site are typically deleterious in nature, this alteration is interpreted as a disease-causing mutation (ACMG Recommendations for Standards for Interpretation and Reporting of Sequence Variations. Revision 2007. Genet Med. 2008;10:294).

Literature cited by the submitters: PubMed 16199547 (cited by Labcorp Genetics (formerly Invitae), Labcorp); PubMed 10712197 (cited by Labcorp Genetics (formerly Invitae), Labcorp); PubMed 23913538 (cited by Labcorp Genetics (formerly Invitae), Labcorp); PubMed 17426081 (cited by Labcorp Genetics (formerly Invitae), Labcorp); PubMed 16414076 (cited by Ambry Genetics); PubMed 16835897 (cited by Ambry Genetics).

NM_001042492.3(NF1):c.2409+2T>G

Gene: NF1 (neurofibromin 1; plus strand). Cytogenetic location: 17q11.2.
Variant type: single nucleotide variant.
Coding change: c.2409+2T>G on transcript NM_001042492.3 (MANE Select); the canonical splice donor site of the intron after coding-DNA position 2409, T replaced by G.
Molecular consequence: splice donor variant.
Genome position (GRCh38, 1-based): chr17:31,227,608, T>G. VCF-style: chr17-31227608-T-G. GRCh37 (hg19) VCF-style: chr17-29554626-T-G.
Other names: c.2409+2T>G (NM_000267.4).
Identifiers: ClinVar variation 234062 (VCV000234062.45), dbSNP rs876660826, ClinGen allele CA10580253.